The following is an entry in ClinVar:

NM_019109.5(ALG1):c.1264-3C>T

Genes: EEF2KMT (eukaryotic elongation factor 2 lysine methyltransferase; minus strand), ALG1 (ALG1 chitobiosyldiphosphodolichol beta-mannosyltransferase; plus strand). Cytogenetic location: 16p13.3.
Variant type: single nucleotide variant.
Coding change: c.1264-3C>T on transcript NM_019109.5 (MANE Select); 3 bases into the intron before coding-DNA position 1264, C replaced by T.
Molecular consequence: intron variant. On other transcripts: 3 prime UTR variant (3).
Genome position (GRCh38, 1-based): chr16:5,084,747, C>T. VCF-style: chr16-5084747-C-T. GRCh37 (hg19) VCF-style: chr16-5134748-C-T.
Other names: c.*885G>A (NM_001289029.2, NM_201400.4, NM_201598.4); c.931-3C>T (NM_001330504.2).
Identifiers: ClinVar variation 1488863 (VCV001488863.7), dbSNP rs780078713, ClinGen allele CA2573152077.

ClinVar aggregate classification (germline): Uncertain significance (1 of 4 stars; one submission).

Conditions:
ALG1-congenital disorder of glycosylation. Also called: CONGENITAL DISORDER OF GLYCOSYLATION, TYPE Ik; CDG Ik; ALG1-CDG. Identifiers: Orphanet 79327, MedGen C2931005, MONDO:0012052, OMIM 608540.

Submissions (2):

Labcorp Genetics (formerly Invitae), Labcorp
Classification: Uncertain significance for ALG1-congenital disorder of glycosylation. Last evaluated: 2023-10-13. Review status: criteria provided, single submitter. Criteria: Invitae Variant Classification Sherloc (09022015). Collection method: clinical testing. Allele origin: germline.
Comment: This sequence change falls in intron 12 of the ALG1 gene. It does not directly change the encoded amino acid sequence of the ALG1 protein. It affects a nucleotide within the consensus splice site. This variant is not present in population databases (gnomAD no frequency). This variant has not been reported in the literature in individuals affected with ALG1-related conditions. ClinVar contains an entry for this variant (Variation ID: 1488863). Variants that disrupt the consensus splice site are a relatively common cause of aberrant splicing (PMID: 17576681, 9536098). Algorithms developed to predict the effect of sequence changes on RNA splicing suggest that this variant is not likely to affect RNA splicing. In summary, the available evidence is currently insufficient to determine the role of this variant in disease. Therefore, it has been classified as a Variant of Uncertain Significance.

Dr. Peter K. Rogan Lab, Western University
No classification provided (evidence only). Condition: Glioma susceptibility 1. Review status: no classification provided. Collection method: in vitro. Allele origin: not applicable. Functional consequence: retained intron. Not counted in ClinVar's aggregate classification.

Literature cited by the submitters: PubMed 17576681 (cited by Labcorp Genetics (formerly Invitae), Labcorp); PubMed 9536098 (cited by Labcorp Genetics (formerly Invitae), Labcorp).